The following is an entry in ClinVar:

NM_002470.4(MYH3):c.5281A>G (p.Thr1761Ala)

Gene: MYH3 (myosin heavy chain 3; minus strand). Cytogenetic location: 17p13.1.
Variant type: single nucleotide variant.
Coding change: c.5281A>G on transcript NM_002470.4 (MANE Select); coding-DNA position 5281, A replaced by G.
Protein change: p.Thr1761Ala; replaces threonine 1761 with alanine.
Molecular consequence: missense variant.
Genome position (GRCh38, 1-based): chr17:10,631,616, T>C on the plus strand (A>G on the coding strand, the complement: MYH3 is on the minus strand). VCF-style: chr17-10631616-T-C. GRCh37 (hg19) VCF-style: chr17-10534933-T-C.
Other names: short protein forms T1761A.
Identifiers: ClinVar variation 4809787 (VCV004809787.1).

ClinVar aggregate classification (germline): Uncertain significance (1 of 4 stars; one submission).

gnomAD v4.1: 3 of 1,614,066 alleles (0.00019%); highest among the groups gnomAD compares: African/African-American, 0.004%; no homozygotes.

Submission:

Labcorp Genetics (formerly Invitae), Labcorp
Classification: Uncertain significance. Last evaluated: 2025-04-18. Review status: criteria provided, single submitter. Criteria: Invitae Variant Classification Sherloc (09022015). Collection method: clinical testing. Allele origin: germline.
Comment: This sequence change replaces threonine, which is neutral and polar, with alanine, which is neutral and non-polar, at codon 1761 of the MYH3 protein (p.Thr1761Ala). This variant is present in population databases (rs372820809, gnomAD 0.01%). This variant has not been reported in the literature in individuals affected with MYH3-related conditions. Invitae Evidence Modeling of protein sequence and biophysical properties (such as structural, functional, and spatial information, amino acid conservation, physicochemical variation, residue mobility, and thermodynamic stability) indicates that this missense variant is not expected to disrupt MYH3 protein function with a negative predictive value of 95%. In summary, the available evidence is currently insufficient to determine the role of this variant in disease. Therefore, it has been classified as a Variant of Uncertain Significance.